The following is an entry in ClinVar:

NM_000264.5(PTCH1):c.916G>A (p.Ala306Thr)

Gene: PTCH1 (patched 1; minus strand). Cytogenetic location: 9q22.32.
Variant type: single nucleotide variant.
Coding change: c.916G>A on transcript NM_000264.5 (MANE Select); coding-DNA position 916, G replaced by A.
Protein change: p.Ala306Thr; replaces alanine 306 with threonine.
Molecular consequence: missense variant. On other transcripts: non-coding transcript variant (1).
Genome position (GRCh38, 1-based): chr9:95,480,419, C>T on the plus strand (G>A on the coding strand, the complement: PTCH1 is on the minus strand). VCF-style: chr9-95480419-C-T. GRCh37 (hg19) VCF-style: chr9-98242701-C-T.
Other names: c.718G>A, p.Ala240Thr (NM_001083602.3); c.913G>A, p.Ala305Thr (NM_001083603.3); c.463G>A, p.Ala155Thr (NM_001083604.3, NM_001083605.3, NM_001083606.3 and 1 more transcripts); c.916G>A, p.Ala306Thr (NM_001354918.2); short protein forms A306T, A240T, A155T, A305T.
Identifiers: ClinVar variation 453917 (VCV000453917.14), dbSNP rs547776340, ClinGen allele CA5138820.
Genomic context (GRCh38, chr9:95,480,419, plus strand): 5'-CCTTCTGAGAGCGCTCACTGCTGGTACTCACTTTGGTTGAATTTTTGTTGGGGGCTGTGG[C>T]GGGGCAGTCTGGATCGGCCGGATTGAGGCAGGGGCGGTCCATGTAACCATGACCAACCTC-3'
Protein context (NP_000255.2, residues 296-316): CLNPADPDCP[Ala306Thr]TAPNKNSTKP

ClinVar aggregate classification (germline): Likely benign. Review status: criteria provided, multiple submitters, no conflicts (2 of 4 stars). 3 submissions from 3 submitters: Likely benign (3). Last evaluated 2025-12-01.

Conditions:
Hereditary cancer-predisposing syndrome. Also called: Tumor predisposition; Hereditary neoplastic syndrome; Neoplastic Syndromes, Hereditary; Hereditary Cancer Syndrome. Identifiers: Orphanet 140162, MedGen C0027672, MeSH D009386, MONDO:0015356.
Gorlin syndrome. Also called: Nevoid Basal Cell Carcinoma Syndrome; Basal cell nevus syndrome. Identifiers: Orphanet 377, MedGen C0004779, MONDO:0007187.
PTCH1-related disorder. Also called: PTCH1-related disorders; PTCH1-related condition.

Allele frequency attached by ClinVar (database versions not stated): gnomAD 0.00001 and 0.00002; ExAC 0.00002; gnomAD exomes 0.00002 and 0.00003; TOPMed 0.00002; 1000 Genomes Project 30x 0.00016; 1000 Genomes Project 0.00020.
gnomAD v4.1: 54 of 1,610,930 alleles (0.0034%); highest among the groups gnomAD compares: South Asian, 0.0066%; no homozygotes.

Submissions (3):

PreventionGenetics, part of Exact Sciences
Classification: Likely benign for PTCH1-related condition. Last evaluated: 2025-12-01. Review status: criteria provided, single submitter. Criteria: ACMG Guidelines, 2015. Collection method: clinical testing. Allele origin: germline.
Comment: This variant is classified as likely benign based on ACMG/AMP sequence variant interpretation guidelines (Richards et al. 2015 PMID: 25741868, with internal and published modifications).

Labcorp Genetics (formerly Invitae), Labcorp
Classification: Likely benign for Gorlin syndrome. Last evaluated: 2025-11-02. Review status: criteria provided, single submitter. Criteria: Invitae Variant Classification Sherloc (09022015). Collection method: clinical testing. Allele origin: germline.

Ambry Genetics
Classification: Likely benign for Hereditary cancer-predisposing syndrome. Last evaluated: 2024-03-08. Review status: criteria provided, single submitter. Criteria: Ambry Variant Classification Scheme 2023. Collection method: clinical testing. Allele origin: germline.